The following is an entry in ClinVar:

NM_078629.4(MSL3):c.1319dup (p.Gly441fs)

Gene: MSL3 (MSL complex subunit 3; plus strand). Cytogenetic location: Xp22.2.
Variant type: Duplication.
Coding change: c.1319dup on transcript NM_078629.4 (MANE Select); coding-DNA position 1319, one base duplicated (C; older notation c.1319dupC).
Protein change: p.Gly441fs; shifts the reading frame from glycine 441.
Molecular consequence: frameshift variant.
Genome position (GRCh38, 1-based): chrX:11,772,193, C duplicated; the last of 6 consecutive C bases (chrX:11,772,188-11,772,193); duplicating any one gives the same sequence. VCF-style (leftmost placement, unchanged base first): chrX-11772187-A-AC. GRCh37 (hg19) VCF-style: chrX-11790306-A-AC.
Other names: c.1283dup, p.Gly429fs (NM_001193270.2); c.872dup, p.Gly292fs (NM_001282174.1); c.821dup, p.Gly275fs (NM_006800.4); c.872dupC (NM_001282174.1); short protein forms G275fs, G292fs, G441fs, G429fs.
Identifiers: ClinVar variation 817066 (VCV000817066.1), dbSNP rs768515139, ClinGen allele CA915952352.

ClinVar aggregate classification (germline): Pathogenic (1 of 4 stars; one submission).

Submission:

GeneDx
Classification: Pathogenic. Last evaluated: 2019-08-26. Review status: criteria provided, single submitter. Criteria: GeneDx Variant Classification (06012015). Collection method: clinical testing. Allele origin: germline. Affected: yes.
Comment: The c.872dupC variant in the MSL3 gene has not been reported previously as a pathogenic variant, nor as a benign variant, to our knowledge. The c.872dupC variant causes a frameshift starting with codon Glycine 292, changes this amino acid to a Arginine residue, and creates a premature Stop codon at position 2 of the new reading frame, denoted p.Gly292ArgfsX2. This variant is predicted to cause loss of normal protein function either through protein truncation or nonsense-mediated mRNA decay. The c.872dupC variant is not observed in large population cohorts (Lek et al., 2016). We interpret c.872dupC as a pathogenic variant.